The following is an entry in ClinVar:

ClinVar aggregate classification (germline): Pathogenic (1 of 4 stars; one submission).

Submission:

Labcorp Genetics (formerly Invitae), Labcorp
Classification: Pathogenic. Last evaluated: 2021-12-29. Review status: criteria provided, single submitter. Criteria: Invitae Variant Classification Sherloc (09022015). Collection method: clinical testing. Allele origin: germline.
Comment: For these reasons, this variant has been classified as Pathogenic. This variant has not been reported in the literature in individuals affected with TRAF3IP1-related conditions. This variant is present in population databases (no rsID available, gnomAD 0.007%). This sequence change creates a premature translational stop signal (p.Lys252Valfs*10) in the TRAF3IP1 gene. It is expected to result in an absent or disrupted protein product. Loss-of-function variants in TRAF3IP1 are known to be pathogenic (PMID: 21945076, 26487268).

Literature cited by the submitters: PubMed 21945076; PubMed 26487268.

NM_015650.4(TRAF3IP1):c.750_753del (p.Lys252fs)

Gene: TRAF3IP1 (TRAF3 interacting protein 1; plus strand). Cytogenetic location: 2q37.3.
Variant type: Microsatellite.
Coding change: c.750_753del on transcript NM_015650.4 (MANE Select); coding-DNA positions 750 to 753, 4 bases deleted (GAGA; older notation c.750_753delGAGA).
Protein change: p.Lys252fs; shifts the reading frame from lysine 252.
Molecular consequence: frameshift variant.
Genome position (GRCh38, 1-based): chr2:238,329,177-238,329,180, GAGA deleted; deleting any 4 consecutive bases within chr2:238,329,174-238,329,180 gives the same sequence; the c. name uses the placement nearest the transcript's 3' end. VCF-style (leftmost placement, unchanged base first): chr2-238329173-CAGAG-C. GRCh37 (hg19) VCF-style: chr2-239237814-CAGAG-C.
Other names: c.750_753del, p.Lys252fs (NM_001139490.1); short protein forms K252fs.
Identifiers: ClinVar variation 1418058 (VCV001418058.6), dbSNP rs1472268761, ClinGen allele CA540751107.